The following is an entry in ClinVar:

ClinVar aggregate classification (germline): Uncertain significance. Review status: criteria provided, multiple submitters, no conflicts (2 of 4 stars). 2 submissions from 2 submitters: Uncertain significance (2). Last evaluated 2026-04-16.

Conditions:
Inborn genetic diseases. Identifiers: MedGen C0950123, MeSH D030342.

Allele frequency attached by ClinVar (database versions not stated): gnomAD exomes 0.00001.

Submissions (2):

Ambry Genetics
Classification: Uncertain significance for Inborn genetic diseases. Last evaluated: 2026-04-16. Review status: criteria provided, single submitter. Criteria: Ambry Variant Classification Scheme 2023. Collection method: clinical testing. Allele origin: germline.

Labcorp Genetics (formerly Invitae), Labcorp
Classification: Uncertain significance. Last evaluated: 2025-03-31. Review status: criteria provided, single submitter. Criteria: Invitae Variant Classification Sherloc (09022015). Collection method: clinical testing. Allele origin: germline.
Comment: This sequence change replaces alanine, which is neutral and non-polar, with proline, which is neutral and non-polar, at codon 240 of the GRM6 protein (p.Ala240Pro). This variant is present in population databases (no rsID available, gnomAD 0.006%). This variant has not been reported in the literature in individuals affected with GRM6-related conditions. ClinVar contains an entry for this variant (Variation ID: 1021464). Invitae Evidence Modeling of protein sequence and biophysical properties (such as structural, functional, and spatial information, amino acid conservation, physicochemical variation, residue mobility, and thermodynamic stability) has been performed for this missense variant. However, the output from this modeling did not meet the statistical confidence thresholds required to predict the impact of this variant on GRM6 protein function. In summary, the available evidence is currently insufficient to determine the role of this variant in disease. Therefore, it has been classified as a Variant of Uncertain Significance.

NM_000843.4(GRM6):c.718G>C (p.Ala240Pro)

Gene: GRM6 (glutamate metabotropic receptor 6; minus strand). Cytogenetic location: 5q35.3.
Variant type: single nucleotide variant.
Coding change: c.718G>C on transcript NM_000843.4 (MANE Select); coding-DNA position 718, G replaced by C.
Protein change: p.Ala240Pro; replaces alanine 240 with proline.
Molecular consequence: missense variant.
Genome position (GRCh38, 1-based): chr5:178,991,870, C>G on the plus strand (G>C on the coding strand, the complement: GRM6 is on the minus strand). VCF-style: chr5-178991870-C-G. GRCh37 (hg19) VCF-style: chr5-178418871-C-G.
Other names: c.718G>C (NM_000843.3); short protein forms A240P.
Identifiers: ClinVar variation 1021464 (VCV001021464.9), dbSNP rs1561720764, ClinGen allele CA362433674.